The following is an entry in ClinVar:

ClinVar aggregate classification (germline): Uncertain significance. Review status: criteria provided, multiple submitters, no conflicts (2 of 4 stars). 2 submissions from 2 submitters: Uncertain significance (2). Last evaluated 2024-04-08.

Conditions:
Developmental and epileptic encephalopathy, 12 (DEE12). Identifiers: MedGen C3150988, MONDO:0013389, OMIM 613722.
Microcephaly, seizures, and developmental delay. Identifiers: Orphanet 1934, MedGen C3150667, MONDO:0013254, OMIM 613402.

Allele frequency attached by ClinVar (database versions not stated): gnomAD exomes below 0.00001; gnomAD 0.00001; TOPMed 0.00002.
gnomAD v4.1: 4 of 1,612,992 alleles (0.00025%); highest among the groups gnomAD compares: African/African-American, 0.0027%; no homozygotes.

Submissions (2):

Labcorp Genetics (formerly Invitae), Labcorp
Classification: Uncertain significance for Developmental and epileptic encephalopathy, 12. Last evaluated: 2024-04-08. Review status: criteria provided, single submitter. Criteria: Invitae Variant Classification Sherloc (09022015). Collection method: clinical testing. Allele origin: germline.
Comment: This sequence change replaces arginine, which is basic and polar, with tryptophan, which is neutral and slightly polar, at codon 513 of the PNKP protein (p.Arg513Trp). This variant is present in population databases (rs112217838, gnomAD 0.007%). This variant has not been reported in the literature in individuals affected with PNKP-related conditions. ClinVar contains an entry for this variant (Variation ID: 992785). Advanced modeling of protein sequence and biophysical properties (such as structural, functional, and spatial information, amino acid conservation, physicochemical variation, residue mobility, and thermodynamic stability) performed at Invitae indicates that this missense variant is not expected to disrupt PNKP protein function with a negative predictive value of 80%. In summary, the available evidence is currently insufficient to determine the role of this variant in disease. Therefore, it has been classified as a Variant of Uncertain Significance.

New York Genome Center
Classification: Uncertain significance for Microcephaly, seizures, and developmental delay. Last evaluated: 2019-05-30. Review status: criteria provided, single submitter. Criteria: NYGC Assertion Criteria 2020. Collection method: clinical testing. Allele origin: germline. Observed: 1 heterozygote. Study: CSER-NYCKidSeq.

NM_007254.4(PNKP):c.1537C>T (p.Arg513Trp)

Gene: PNKP (polynucleotide kinase 3'-phosphatase; minus strand). Cytogenetic location: 19q13.33.
Variant type: single nucleotide variant.
Coding change: c.1537C>T on transcript NM_007254.4 (MANE Select); coding-DNA position 1537, C replaced by T.
Protein change: p.Arg513Trp; replaces arginine 513 with tryptophan.
Molecular consequence: missense variant.
Genome position (GRCh38, 1-based): chr19:49,861,277, G>A on the plus strand (C>T on the coding strand, the complement: PNKP is on the minus strand). VCF-style: chr19-49861277-G-A. GRCh37 (hg19) VCF-style: chr19-50364534-G-A.
Other names: short protein forms R513W.
Identifiers: ClinVar variation 992785 (VCV000992785.7), dbSNP rs112217838, ClinGen allele CA309539591.
Genomic context (GRCh38, chr19:49,861,277, plus strand): 5'-GCGTTTATTGTGGAGGGGAGCTGGGCGGGGCTCAGCCCTCGGAGAACTGGCAGTACAGCC[G>A]CCCCAGCCTCGGCTCCACCCATAGCCGGAACGGGATCTCCAGGATGGCAGAGAAGCCTTC-3'
Protein context (NP_009185.2, residues 503-521): FRLWVEPRLG[Arg513Trp]LYCQFSEG